The following is an entry in ClinVar:

ClinVar aggregate classification (germline): Conflicting classifications of pathogenicity. Review status: criteria provided, conflicting classifications (1 of 4 stars). 3 submissions from 3 submitters: Uncertain significance (2); Benign (1). Last evaluated 2026-01-17.

Conditions:
Tuberous sclerosis 2 (TSC2). Identifiers: Orphanet 805, MedGen C1860707, MONDO:0013199, OMIM 613254.
Hereditary cancer-predisposing syndrome. Also called: Neoplastic Syndromes, Hereditary; Tumor predisposition; Hereditary Cancer Syndrome; Hereditary neoplastic syndrome. Identifiers: Orphanet 140162, MedGen C0027672, MeSH D009386, MONDO:0015356.

Allele frequency attached by ClinVar (database versions not stated): TOPMed 0.00001.

Submissions (3):

Labcorp Genetics (formerly Invitae), Labcorp
Classification: Benign for Tuberous sclerosis 2. Last evaluated: 2026-01-17. Review status: criteria provided, single submitter. Criteria: Invitae Variant Classification Sherloc (09022015). Collection method: clinical testing. Allele origin: germline.

Quest Diagnostics Nichols Institute San Juan Capistrano
Classification: Uncertain significance. Last evaluated: 2024-12-19. Review status: criteria provided, single submitter. Criteria: Quest Diagnostics criteria. Collection method: clinical testing. Allele origin: unknown.

Ambry Genetics
Classification: Uncertain significance for Hereditary cancer-predisposing syndrome. Last evaluated: 2022-09-05. Review status: criteria provided, single submitter. Criteria: Ambry Variant Classification Scheme 2023. Collection method: clinical testing. Allele origin: germline.
Comment: The p.C1755F variant (also known as c.5264G>T), located in coding exon 41 of the TSC2 gene, results from a G to T substitution at nucleotide position 5264. The cysteine at codon 1755 is replaced by phenylalanine, an amino acid with highly dissimilar properties. This amino acid position is conserved. In addition, the in silico prediction for this alteration is inconclusive. Since supporting evidence is limited at this time, the clinical significance of this alteration remains unclear.

NM_000548.5(TSC2):c.5264G>T (p.Cys1755Phe)

Gene: TSC2 (TSC complex subunit 2; plus strand). Cytogenetic location: 16p13.3.
Variant type: single nucleotide variant.
Coding change: c.5264G>T on transcript NM_000548.5 (MANE Select); coding-DNA position 5264, G replaced by T.
Protein change: p.Cys1755Phe; replaces cysteine 1755 with phenylalanine.
Molecular consequence: missense variant.
Genome position (GRCh38, 1-based): chr16:2,088,450, G>T. VCF-style: chr16-2088450-G-T. GRCh37 (hg19) VCF-style: chr16-2138451-G-T.
Other names: c.5063G>T, p.Cys1688Phe (NM_001077183.3); c.5195G>T, p.Cys1732Phe (NM_001114382.3); c.4955G>T, p.Cys1652Phe (NM_001318827.2); c.4919G>T, p.Cys1640Phe (NM_001318829.2); c.4532G>T, p.Cys1511Phe (NM_001318831.2); c.5096G>T, p.Cys1699Phe (NM_001318832.2); c.5066G>T, p.Cys1689Phe (NM_001363528.2); c.5132G>T, p.Cys1711Phe (NM_001370404.1); and 2 more; short protein forms C1755F, C1688F, C1732F, C1640F, C1511F, C1689F, C1708F, C1652F.
Identifiers: ClinVar variation 535948 (VCV000535948.13), dbSNP rs761162904, ClinGen allele CA394315042.